The following is an entry in ClinVar:

NM_020297.4(ABCC9):c.3309T>A (p.Ile1103=)

Gene: ABCC9 (ATP binding cassette subfamily C member 9; minus strand). Cytogenetic location: 12p12.1.
Variant type: single nucleotide variant.
Coding change: c.3309T>A on transcript NM_020297.4 (MANE Select); coding-DNA position 3309, T replaced by A.
Protein change: p.Ile1103=; no amino-acid change (isoleucine 1103 retained).
Molecular consequence: synonymous variant.
Genome position (GRCh38, 1-based): chr12:21,844,489, A>T on the plus strand (T>A on the coding strand, the complement: ABCC9 is on the minus strand). VCF-style: chr12-21844489-A-T. GRCh37 (hg19) VCF-style: chr12-21997423-A-T.
Other names: c.3309T>A, p.Ile1103= (NM_001377273.1, NM_005691.4); c.2442T>A, p.Ile814= (NM_001377274.1).
Identifiers: ClinVar variation 382533 (VCV000382533.1), dbSNP rs767919730, ClinGen allele CA16607193.
Genomic context (GRCh38, chr12:21,844,489, plus strand): 5'-TTAGCTTACATTGTGAAACTAATTTTTGAACTTGGAAGTAACCCAGTTACTCACCTGATC[A>T]ATGATATTAGTATCAGCTGAAAAGCGATTGAGAATCAGTCCCAGGGGTGTGGTATCAAAA-3'
Protein context (NP_064693.2, residues 1093-1113): LNRFSADTNI[Ile1103=]DQHIPPTLES

ClinVar aggregate classification (germline): Likely benign (1 of 4 stars; one submission).

Submission:

GeneDx
Classification: Likely benign. Last evaluated: 2015-12-28. Review status: criteria provided, single submitter. Criteria: GeneDx Variant Classification (06012015). Collection method: clinical testing. Allele origin: germline. Affected: yes.
Comment: This variant is considered likely benign or benign based on one or more of the following criteria: it is a conservative change, it occurs at a poorly conserved position in the protein, it is predicted to be benign by multiple in silico algorithms, and/or has population frequency not consistent with disease.